The following is an entry in ClinVar:

NM_000535.7(PMS2):c.736C>A (p.Pro246Thr)

Gene: PMS2 (PMS1 homolog 2, mismatch repair system component; minus strand). Cytogenetic location: 7p22.1.
Variant type: single nucleotide variant.
Coding change: c.736C>A on transcript NM_000535.7 (MANE Select); coding-DNA position 736, C replaced by A.
Protein change: p.Pro246Thr; replaces proline 246 with threonine.
Molecular consequence: missense variant. On other transcripts: 5 prime UTR variant (2), non-coding transcript variant (1).
Genome position (GRCh38, 1-based): chr7:5,997,393, G>T on the plus strand (C>A on the coding strand, the complement: PMS2 is on the minus strand). VCF-style: chr7-5997393-G-T. GRCh37 (hg19) VCF-style: chr7-6037024-G-T.
Other names: c.331C>A, p.Pro111Thr (NM_001322003.2, NM_001322004.2, NM_001322005.2 and 2 more transcripts); c.736C>A, p.Pro246Thr (NM_001322006.2, NM_001322014.2); c.418C>A, p.Pro140Thr (NM_001322007.2, NM_001322008.2); c.-198C>A (NM_001322011.2, NM_001322012.2); c.163C>A, p.Pro55Thr (NM_001322013.2); c.427C>A, p.Pro143Thr (NM_001322015.2); short protein forms P246T, P55T, P140T, P111T, P143T.
Identifiers: ClinVar variation 434028 (VCV000434028.16), dbSNP rs765668173, ClinGen allele CA051440.

ClinVar aggregate classification (germline): Uncertain significance. Review status: criteria provided, multiple submitters, no conflicts (2 of 4 stars). 6 submissions from 6 submitters: Uncertain significance (5). 1 of the submissions does not count toward it. Last evaluated 2025-10-20.

Conditions:
Hereditary cancer-predisposing syndrome. Also called: Hereditary Cancer Syndrome; Hereditary neoplastic syndrome; Neoplastic Syndromes, Hereditary; Tumor predisposition. Identifiers: Orphanet 140162, MedGen C0027672, MeSH D009386, MONDO:0015356.
Lynch syndrome. Identifiers: Orphanet 144, MedGen C4552100, MONDO:0005835. Disease mechanism: loss of function.
Hereditary nonpolyposis colorectal neoplasms. Identifiers: MedGen C0009405, MeSH D003123.
Lynch syndrome 4 (LYNCH4). Also called: Colorectal cancer, hereditary nonpolyposis, type 4; Hereditary non-polyposis colorectal cancer, type 4. Identifiers: Orphanet 144, MedGen C1838333, MONDO:0013699, OMIM 614337. Disease mechanism: loss of function.
Endometrial carcinoma. Also called: Endometrial carcinoma, somatic. Identifiers: MedGen C0476089, MONDO:0002447, OMIM 608089, HP:0012114.

Allele frequency attached by ClinVar (database versions not stated): gnomAD below 0.00001 and 0.00001; ExAC 0.00001; gnomAD exomes 0.00002.
gnomAD v4.1: 16 of 1,602,388 alleles (0.001%); highest among the groups gnomAD compares: South Asian, 0.017%; no homozygotes.

Submissions (6):

Ambry Genetics
Classification: Uncertain significance for Hereditary cancer-predisposing syndrome. Last evaluated: 2025-10-20. Review status: criteria provided, single submitter. Criteria: Ambry Variant Classification Scheme 2023. Collection method: clinical testing. Allele origin: germline.
Comment: The p.P246T variant (also known as c.736C>A), located in coding exon 7 of the PMS2 gene, results from a C to A substitution at nucleotide position 736. The proline at codon 246 is replaced by threonine, an amino acid with highly similar properties. This amino acid position is well conserved in available vertebrate species. In addition, the in silico prediction for this alteration is inconclusive. Based on the available evidence, the clinical significance of this variant remains unclear.

Labcorp Genetics (formerly Invitae), Labcorp
Classification: Uncertain significance for Hereditary nonpolyposis colorectal neoplasms. Last evaluated: 2025-07-14. Review status: criteria provided, single submitter. Criteria: Invitae Variant Classification Sherloc (09022015). Collection method: clinical testing. Allele origin: germline.
Comment: This sequence change replaces proline, which is neutral and non-polar, with threonine, which is neutral and polar, at codon 246 of the PMS2 protein (p.Pro246Thr). This variant is present in population databases (rs765668173, gnomAD 0.02%). This variant has not been reported in the literature in individuals affected with PMS2-related conditions. ClinVar contains an entry for this variant (Variation ID: 434028). Invitae Evidence Modeling incorporating data from in vitro experimental studies (internal data) indicates that this missense variant is not expected to disrupt PMS2 function with a negative predictive value of 95%. In summary, the available evidence is currently insufficient to determine the role of this variant in disease. Therefore, it has been classified as a Variant of Uncertain Significance.

All of Us Research Program, National Institutes of Health
Classification: Uncertain significance for Lynch syndrome. Last evaluated: 2024-02-05. Review status: criteria provided, single submitter. Criteria: ACMG Guidelines, 2015. Collection method: clinical testing. Allele origin: germline. Inheritance: Autosomal dominant inheritance. Observed: 2 variant alleles, 2 heterozygotes.
Comment: This missense variant replaces proline with threonine at codon 246 of the PMS2 protein. Computational prediction suggests that this variant may not impact protein structure and function (internally defined REVEL score threshold <= 0.5, PMID: 27666373). To our knowledge, functional studies have not been reported for this variant. This variant has not been reported in individuals affected with PMS2-related disorders in the literature. This variant has been identified in 5/247584 chromosomes in the general population by the Genome Aggregation Database (gnomAD). The available evidence is insufficient to determine the role of this variant in disease conclusively. Therefore, this variant is classified as a Variant of Uncertain Significance.

This study involves interpretation of variants in research participants for the purpose of population health screening. Participant phenotype was not available at the time of variant classification. Additional details can be found in publication PMID: 35346344, PMCID: PMC8962531

Color Diagnostics, LLC DBA Color Health
Classification: Uncertain significance for Hereditary cancer-predisposing syndrome. Last evaluated: 2023-10-26. Review status: criteria provided, single submitter. Criteria: ACMG Guidelines, 2015. Collection method: clinical testing. Allele origin: germline.
Comment: This missense variant replaces proline with threonine at codon 246 of the PMS2 protein. Computational prediction suggests that this variant may not impact protein structure and function (internally defined REVEL score threshold <= 0.5, PMID: 27666373). To our knowledge, functional studies have not been reported for this variant. This variant has not been reported in individuals affected with PMS2-related disorders in the literature. This variant has been identified in 5/247584 chromosomes in the general population by the Genome Aggregation Database (gnomAD). The available evidence is insufficient to determine the role of this variant in disease conclusively. Therefore, this variant is classified as a Variant of Uncertain Significance.

Neuberg Centre For Genomic Medicine, NCGM
Classification: Uncertain significance for Lynch syndrome 4. Review status: criteria provided, single submitter. Criteria: ACMG Guidelines, 2015. Collection method: clinical testing. Allele origin: germline. Inheritance: Autosomal dominant inheritance. Affected: yes.
Comment: The missense variant c.736C>A (p.Pro246Thr) in PMS2 gene has not been reported previously as a pathogenic variant nor as a benign variant, to our knowledge. This variant has been reported to the ClinVar database as Uncertain significance.The p.Pro246Thr variant is novel (not in any individuals) in 1000 Genomes and allele frequency of 0.00002020 is reported in gnomAD. The amino acid Pro at position 246 is changed to a Thr changing protein sequence and it might alter its composition and physico-chemical properties. In silico tools predict the variant to be tolerated. The residue is conserved across species. The amino acid change p.Pro246Thr in PMS2 is predicted as conserved by GERP++ and PhyloP across 100 vertebrates. For these reasons, this variant has been classified as Uncertain Significance .

Department of Pathology and Laboratory Medicine, Sinai Health System
Classification: Uncertain significance for Endometrial carcinoma. Review status: no assertion criteria provided. Collection method: clinical testing. Allele origin: unknown. Affected: yes. Study: The Canadian Open Genetics Repository (COGR). Not counted in ClinVar's aggregate classification.
Comment: The p.Pro246Thr variant was not identified in the literature nor was it identified in the GeneInsight, HGMD, COSMIC, Mut, MMR, InSiGHT Colon Cancer and ClinVar databases. The p.Pro246 residue is conserved/not conserved in mammals and computational analyses (PolyPhen-2, SIFT, AlignGVGD, BLOSUM, MutationTaster) provide inconsistent predictions regarding the impact to the protein; this information is not very predictive of pathogenicity. Four out of five computational analyses (PolyPhen-2, SIFT, AlignGVGD, BLOSUM, MutationTaster) do not suggest a high likelihood of impact to the protein.The p.Pro246Thr variant is predicted to cause a missense mutation, which has an unknown impact on the protein. In summary, based on the above information this variant meets our laboratory's criteria to be classified as a VARIANT OF UNKNOWN SIGNIFICANCE.